The following is an entry in ClinVar:

ClinVar aggregate classification (germline): Uncertain significance (1 of 4 stars; one submission).

Submission:

Labcorp Genetics (formerly Invitae), Labcorp
Classification: Uncertain significance. Last evaluated: 2022-03-12. Review status: criteria provided, single submitter. Criteria: Invitae Variant Classification Sherloc (09022015). Collection method: clinical testing. Allele origin: germline.
Comment: This sequence change replaces valine, which is neutral and non-polar, with methionine, which is neutral and non-polar, at codon 1027 of the COL18A1 protein (p.Val1027Met). This variant is not present in population databases (gnomAD no frequency). This variant has not been reported in the literature in individuals affected with COL18A1-related conditions. Experimental studies and prediction algorithms are not available or were not evaluated, and the functional significance of this variant is currently unknown. In summary, the available evidence is currently insufficient to determine the role of this variant in disease. Therefore, it has been classified as a Variant of Uncertain Significance.

NM_001379500.1(COL18A1):c.3088G>A (p.Val1030Met)

Genes: COL18A1 (collagen type XVIII alpha 1 chain; plus strand), SLC19A1 (solute carrier family 19 member 1; minus strand). Cytogenetic location: 21q22.3.
Variant type: single nucleotide variant.
Coding change: c.3088G>A on transcript NM_001379500.1 (MANE Select); coding-DNA position 3088, G replaced by A.
Protein change: p.Val1030Met; replaces valine 1030 with methionine.
Molecular consequence: missense variant.
Genome position (GRCh38, 1-based): chr21:45,505,838, G>A. VCF-style: chr21-45505838-G-A. GRCh37 (hg19) VCF-style: chr21-46925752-G-A.
Other names: c.3619G>A, p.Val1207Met (NM_030582.4); c.4324G>A, p.Val1442Met (NM_130444.3); short protein forms V1030M, V1207M, V1442M.
Identifiers: ClinVar variation 2109717 (VCV002109717.4), dbSNP rs1191368532, ClinGen allele CA410499821.
Genomic context (GRCh38, chr21:45,505,838, plus strand): 5'-TCCGCCCCTGCCCCCCGCCCTCCCCGCCAAGCCCCACACCTCTGCATTTGGTCCCAGCAG[G>A]TGAGGCTCTGGGCTACACGCCAGGCCATGCTGGGCCAGGTGCACGAGGTTCCCGAGGGCT-3'
Protein context (NP_001366429.1, residues 1020-1040): PPGTMGASSG[Val1030Met]RLWATRQAML